The following is an entry in ClinVar:

ClinVar aggregate classification (germline): Uncertain significance (1 of 4 stars; one submission).

Conditions:
Primary ciliary dyskinesia. Also called: Ciliary dyskinesia. Identifiers: Orphanet 244, MedGen C0008780, MONDO:0016575, HP:0012265.

Submission:

Labcorp Genetics (formerly Invitae), Labcorp
Classification: Uncertain significance for Primary ciliary dyskinesia. Last evaluated: 2025-01-15. Review status: criteria provided, single submitter. Criteria: Invitae Variant Classification Sherloc (09022015). Collection method: clinical testing. Allele origin: germline.
Comment: This sequence change replaces leucine, which is neutral and non-polar, with valine, which is neutral and non-polar, at codon 1714 of the DNAH8 protein (p.Leu1714Val). This variant is not present in population databases (gnomAD no frequency). This variant has not been reported in the literature in individuals affected with DNAH8-related conditions. ClinVar contains an entry for this variant (Variation ID: 407299). Invitae Evidence Modeling of protein sequence and biophysical properties (such as structural, functional, and spatial information, amino acid conservation, physicochemical variation, residue mobility, and thermodynamic stability) has been performed for this missense variant. However, the output from this modeling did not meet the statistical confidence thresholds required to predict the impact of this variant on DNAH8 protein function. In summary, the available evidence is currently insufficient to determine the role of this variant in disease. Therefore, it has been classified as a Variant of Uncertain Significance.

NM_001206927.2(DNAH8):c.5140C>G (p.Leu1714Val)

Gene: DNAH8 (dynein axonemal heavy chain 8; plus strand). Cytogenetic location: 6p21.2.
Variant type: single nucleotide variant.
Coding change: c.5140C>G on transcript NM_001206927.2 (MANE Select); coding-DNA position 5140, C replaced by G.
Protein change: p.Leu1714Val; replaces leucine 1714 with valine.
Molecular consequence: missense variant.
Genome position (GRCh38, 1-based): chr6:38,848,742, C>G. VCF-style: chr6-38848742-C-G. GRCh37 (hg19) VCF-style: chr6-38816518-C-G.
Other names: c.4489C>G, p.Leu1497Val (NM_001371.4); short protein forms L1714V, L1497V.
Identifiers: ClinVar variation 407299 (VCV000407299.9), dbSNP rs1060501470, ClinGen allele CA16611989.
Genomic context (GRCh38, chr6:38,848,742, plus strand): 5'-TGGGTGTATAAATTGTCCACTTCCTCAGATATAATTGAAGAGTGGCTCGTAGTACAGAAC[C>G]TTTGGGTTTATCTTGAAGCCGTCTTTGTAGGTGGAGATATTGCCAAACAGCTGCCTCAGG-3'
Protein context (NP_001193856.1, residues 1704-1724): IIEEWLVVQN[Leu1714Val]WVYLEAVFVG